The following is an entry in ClinVar:

NM_017890.5(VPS13B):c.4249C>T (p.Pro1417Ser)

Gene: VPS13B (vacuolar protein sorting 13 homolog B; plus strand). Cytogenetic location: 8q22.2.
Variant type: single nucleotide variant.
Coding change: c.4249C>T on transcript NM_017890.5 (MANE Plus Clinical); coding-DNA position 4249, C replaced by T.
Protein change: p.Pro1417Ser; replaces proline 1417 with serine.
Molecular consequence: missense variant. On other transcripts: intron variant (1).
Genome position (GRCh38, 1-based): chr8:99,507,861, C>T. VCF-style: chr8-99507861-C-T. GRCh37 (hg19) VCF-style: chr8-100520089-C-T.
Other names: c.4224+658C>T (NM_152564.5); short protein forms P1417S.
Identifiers: ClinVar variation 3354676 (VCV003354676.1).

ClinVar aggregate classification (germline): Uncertain significance (0 of 4 stars; one submission).

Conditions:
VPS13B-related disorder. Also called: VPS13B-related condition.

gnomAD v4.1: 9 of 1,614,080 alleles (0.00056%); highest among the groups gnomAD compares: African/African-American, 0.0013%; no homozygotes.

Submission:

PreventionGenetics, part of Exact Sciences
Classification: Uncertain significance for VPS13B-related condition. Last evaluated: 2024-05-23. Review status: no assertion criteria provided. Collection method: clinical testing. Allele origin: germline.
Comment: The VPS13B c.4249C>T variant is predicted to result in the amino acid substitution p.Pro1417Ser. To our knowledge, this variant has not been reported in the literature or in a large population database, indicating this variant is rare. At this time, the clinical significance of this variant is uncertain due to the absence of conclusive functional and genetic evidence.